The following is an entry in ClinVar:

ClinVar aggregate classification (germline): Pathogenic/Likely pathogenic. Review status: criteria provided, multiple submitters, no conflicts (2 of 4 stars). 3 submissions from 3 submitters: Pathogenic (1); Likely pathogenic (1). 1 of the submissions does not count toward it. Last evaluated 2022-08-22.

Conditions:
Tay-Sachs disease (TSD). Also called: HEXA DEFICIENCY; GM2 gangliosidosis, type 1; Hexosaminidase alpha-subunit deficiency (variant B); Sphingolipidosis, Tay-Sachs; Hexosaminidase A Deficiency; HEXA Disorders. Identifiers: Orphanet 845, MedGen C0039373, MONDO:0010100, OMIM 272800.

Allele frequency attached by ClinVar (database versions not stated): gnomAD exomes below 0.00001 and 0.00001; ExAC 0.00002.
gnomAD v4.1: 2 of 1,614,246 alleles (0.00012%); highest among the groups gnomAD compares: Non-Finnish European, 0.00017%; no homozygotes.

Submissions (3):

Labcorp Genetics (formerly Invitae), Labcorp
Classification: Pathogenic for Tay-Sachs disease. Last evaluated: 2022-08-22. Review status: criteria provided, single submitter. Criteria: Invitae Variant Classification Sherloc (09022015). Collection method: clinical testing. Allele origin: germline.
Comment: For these reasons, this variant has been classified as Pathogenic. ClinVar contains an entry for this variant (Variation ID: 371633). This variant has not been reported in the literature in individuals affected with HEXA-related conditions. This variant is present in population databases (rs751393950, gnomAD 0.002%). This sequence change creates a premature translational stop signal (p.Gln28*) in the HEXA gene. It is expected to result in an absent or disrupted protein product. Loss-of-function variants in HEXA are known to be pathogenic (PMID: 1833974, 8490625).

Fulgent Genetics
Classification: Likely pathogenic for Tay-Sachs disease. Last evaluated: 2021-10-06. Review status: criteria provided, single submitter. Criteria: ACMG Guidelines, 2015. Collection method: clinical testing. Allele origin: unknown.

Counsyl
Classification: Likely pathogenic for Tay-Sachs disease. Last evaluated: 2016-11-03. Review status: no assertion criteria provided. Collection method: clinical testing. Allele origin: unknown. Not counted in ClinVar's aggregate classification.

Literature cited by the submitters: PubMed 1833974 (cited by Labcorp Genetics (formerly Invitae), Labcorp); PubMed 8490625 (cited by Labcorp Genetics (formerly Invitae), Labcorp).

NM_000520.6(HEXA):c.82C>T (p.Gln28Ter)

Gene: HEXA (hexosaminidase subunit alpha; minus strand). Cytogenetic location: 15q23.
Variant type: single nucleotide variant.
Coding change: c.82C>T on transcript NM_000520.6 (MANE Select); coding-DNA position 82, C replaced by T.
Protein change: p.Gln28Ter; replaces glutamine 28 with a stop codon.
Molecular consequence: nonsense. On other transcripts: non-coding transcript variant (1).
Genome position (GRCh38, 1-based): chr15:72,375,891, G>A on the plus strand (C>T on the coding strand, the complement: HEXA is on the minus strand). VCF-style: chr15-72375891-G-A. GRCh37 (hg19) VCF-style: chr15-72668232-G-A.
Other names: c.82C>T, p.Gln28Ter (NM_001318825.2); short protein forms Q28*.
Identifiers: ClinVar variation 371633 (VCV000371633.8), dbSNP rs751393950, ClinGen allele CA7645115.
Genomic context (GRCh38, chr15:72,375,891, plus strand): 5'-ACTGGAATTGAAAGTTGTTCGGGTAAAGGACGTAGCGCTGGTCGGAGGTTTGGAAGTTCT[G>A]AGGCCAGGGCCAGAGGGCCGTCGCCCGTCCTGCGAACGCTGCCGCCAGCAGCAGCGAAAA-3'